The following is an entry in ClinVar:

NM_000264.5(PTCH1):c.4139C>T (p.Ala1380Val)

Gene: PTCH1 (patched 1; minus strand). Cytogenetic location: 9q22.32.
Variant type: single nucleotide variant.
Coding change: c.4139C>T on transcript NM_000264.5 (MANE Select); coding-DNA position 4139, C replaced by T.
Protein change: p.Ala1380Val; replaces alanine 1380 with valine.
Molecular consequence: missense variant. On other transcripts: non-coding transcript variant (1).
Genome position (GRCh38, 1-based): chr9:95,447,117, G>A on the plus strand (C>T on the coding strand, the complement: PTCH1 is on the minus strand). VCF-style: chr9-95447117-G-A. GRCh37 (hg19) VCF-style: chr9-98209399-G-A.
Other names: c.3941C>T, p.Ala1314Val (NM_001083602.3); c.4136C>T, p.Ala1379Val (NM_001083603.3); c.3686C>T, p.Ala1229Val (NM_001083604.3, NM_001083605.3, NM_001083606.3 and 1 more transcripts); c.3983C>T, p.Ala1328Val (NM_001354918.2); short protein forms A1229V, A1314V, A1328V, A1379V, A1380V.
Identifiers: ClinVar variation 836705 (VCV000836705.13), dbSNP rs777641179, ClinGen allele CA5137944.

ClinVar aggregate classification (germline): Uncertain significance. Review status: criteria provided, multiple submitters, no conflicts (2 of 4 stars). 3 submissions from 3 submitters: Uncertain significance (3). Last evaluated 2025-06-24.

Conditions:
Hereditary cancer-predisposing syndrome. Also called: Neoplastic Syndromes, Hereditary; Hereditary neoplastic syndrome; Tumor predisposition; Hereditary Cancer Syndrome. Identifiers: Orphanet 140162, MedGen C0027672, MeSH D009386, MONDO:0015356.
Gorlin syndrome. Also called: Basal cell nevus syndrome; Nevoid Basal Cell Carcinoma Syndrome. Identifiers: Orphanet 377, MedGen C0004779, MONDO:0007187.
Basal cell carcinoma, susceptibility to, 1. Also called: BCC1. Identifiers: MedGen C2751544, MONDO:0011556, OMIM 605462.

Allele frequency attached by ClinVar (database versions not stated): gnomAD exomes below 0.00001; TOPMed below 0.00001; ExAC 0.00001.
gnomAD v4.1: 2 of 1,613,460 alleles (0.00012%); highest among the groups gnomAD compares: Non-Finnish European, 0.00017%; no homozygotes.

Submissions (3):

Labcorp Genetics (formerly Invitae), Labcorp
Classification: Uncertain significance for Gorlin syndrome. Last evaluated: 2025-06-24. Review status: criteria provided, single submitter. Criteria: Invitae Variant Classification Sherloc (09022015). Collection method: clinical testing. Allele origin: germline.
Comment: This sequence change replaces alanine, which is neutral and non-polar, with valine, which is neutral and non-polar, at codon 1380 of the PTCH1 protein (p.Ala1380Val). This variant is present in population databases (rs777641179, gnomAD 0.0009%). This variant has not been reported in the literature in individuals affected with PTCH1-related conditions. ClinVar contains an entry for this variant (Variation ID: 836705). Invitae Evidence Modeling of protein sequence and biophysical properties (such as structural, functional, and spatial information, amino acid conservation, physicochemical variation, residue mobility, and thermodynamic stability) has been performed for this missense variant. However, the output from this modeling did not meet the statistical confidence thresholds required to predict the impact of this variant on PTCH1 protein function. In summary, the available evidence is currently insufficient to determine the role of this variant in disease. Therefore, it has been classified as a Variant of Uncertain Significance.

Baylor Genetics
Classification: Uncertain significance for Basal cell carcinoma, susceptibility to, 1. Last evaluated: 2023-08-30. Review status: criteria provided, single submitter. Criteria: ACMG Guidelines, 2015. Collection method: clinical testing. Allele origin: unknown.

Ambry Genetics
Classification: Uncertain significance for Hereditary cancer-predisposing syndrome. Last evaluated: 2023-07-24. Review status: criteria provided, single submitter. Criteria: Ambry Variant Classification Scheme 2023. Collection method: clinical testing. Allele origin: germline.
Comment: The p.A1380V variant (also known as c.4139C>T), located in coding exon 23 of the PTCH1 gene, results from a C to T substitution at nucleotide position 4139. The alanine at codon 1380 is replaced by valine, an amino acid with similar properties. This amino acid position is highly conserved in available vertebrate species. In addition, the in silico prediction for this alteration is inconclusive. Since supporting evidence is limited at this time, the clinical significance of this alteration remains unclear.